The following is an entry in ClinVar:

ClinVar aggregate classification (germline): Uncertain significance (1 of 4 stars; one submission).

Submission:

GeneDx
Classification: Uncertain significance. Last evaluated: 2022-11-25. Review status: criteria provided, single submitter. Criteria: GeneDx Variant Classification Process June 2021. Collection method: clinical testing. Allele origin: germline. Affected: yes.
Comment: Not observed at significant frequency in large population cohorts (gnomAD); Frameshift variant predicted to result in protein truncation or nonsense mediated decay in a gene or region of a gene for which loss of function is not a well-established mechanism of disease; Has not been previously published as pathogenic or benign to our knowledge

NM_022575.4(VPS16):c.1772dup (p.Met592fs)

Genes: PTPRA (protein tyrosine phosphatase receptor type A; plus strand), VPS16 (VPS16 core subunit of CORVET and HOPS complexes; plus strand). Cytogenetic location: 20p13.
Variant type: Duplication.
Coding change: c.1772dup on transcript NM_022575.4 (MANE Select); coding-DNA position 1772, one base duplicated (T; older notation c.1772dupT).
Protein change: p.Met592fs; shifts the reading frame from methionine 592.
Molecular consequence: frameshift variant. On other transcripts: 5 prime UTR variant (1).
Genome position (GRCh38, 1-based): chr20:2,864,416, T duplicated; the last of 6 consecutive T bases (chr20:2,864,411-2,864,416); duplicating any one gives the same sequence. VCF-style (leftmost placement, unchanged base first): chr20-2864410-A-AT. GRCh37 (hg19) VCF-style: chr20-2845056-A-AT.
Other names: c.-531dup (NM_002836.4); c.1340dup, p.Met448fs (NM_080413.3); short protein forms M448fs, M592fs.
Identifiers: ClinVar variation 2503351 (VCV002503351.1), dbSNP rs2515133023, ClinGen allele CA509553751.